The following is an entry in ClinVar:

NM_005188.4(CBL):c.*5907T>C

Gene: CBL (Cbl proto-oncogene; plus strand). Cytogenetic location: 11q23.3.
Variant type: single nucleotide variant.
Coding change: c.*5907T>C on transcript NM_005188.4 (MANE Select); 5907 bases downstream of the stop codon, T replaced by C.
Molecular consequence: 3 prime UTR variant.
Genome position (GRCh38, 1-based): chr11:119,305,688, T>C. VCF-style: chr11-119305688-T-C. GRCh37 (hg19) VCF-style: chr11-119176398-T-C.
Identifiers: ClinVar variation 302875 (VCV000302875.6), dbSNP rs2511844, ClinGen allele CA10630030.

ClinVar aggregate classification (germline): Benign. Review status: criteria provided, multiple submitters, no conflicts (2 of 4 stars). 2 submissions from 2 submitters: Benign (2). Last evaluated 2018-01-13.

Conditions:
CBL-related disorder. Also called: NOONAN SYNDROME-LIKE DISORDER WITHOUT JUVENILE MYELOMONOCYTIC LEUKEMIA; CBL MUTATION-ASSOCIATED SYNDROME; CBL SYNDROME. Identifiers: Orphanet 363972, MedGen C3150803, MONDO:0013308, OMIM 613563.

Allele frequency attached by ClinVar (database versions not stated): gnomAD exomes 0.06865; gnomAD 0.15444 and 0.16216; 1000 Genomes Project 0.15935; 1000 Genomes Project 30x 0.16443; TOPMed 0.16786.
gnomAD v4.1: 28,441 of 224,786 alleles (13%); highest among the groups gnomAD compares: African/African-American, 42%; 4,350 homozygotes.

Submissions (2):

Illumina Laboratory Services, Illumina
Classification: Benign for CBL-related disorder. Last evaluated: 2018-01-13. Review status: criteria provided, single submitter. Criteria: ICSL Variant Classification Criteria 13 December 2019. Collection method: clinical testing. Allele origin: germline.
Comment: This variant was observed in the ICSL laboratory as part of a predisposition screen in an ostensibly healthy population. It had not been previously curated by ICSL or reported in the Human Gene Mutation Database (HGMD: prior to June 1st, 2018), and was therefore a candidate for classification through an automated scoring system. Utilizing variant allele frequency, disease prevalence and penetrance estimates, and inheritance mode, an automated score was calculated to assess if this variant is too frequent to cause the disease. Based on the score and internal cut-off values, a variant classified as benign is not then subjected to further curation. The score for this variant resulted in a classification of benign for this disease.

Breakthrough Genomics
Classification: Benign. Review status: criteria provided, single submitter. Criteria: ACMG Guidelines, 2015. Collection method: not provided. Allele origin: germline. Inheritance: Autosomal dominant inheritance. Affected: yes.